The following is an entry in ClinVar:

ClinVar aggregate classification (germline): Likely benign (0 of 4 stars; one submission).

Conditions:
HPDL-related disorder. Also called: HPDL-related condition.

Allele frequency attached by ClinVar (database versions not stated): ExAC 0.00026; 1000 Genomes Project 30x 0.00062; gnomAD 0.00074; TOPMed 0.00077; 1000 Genomes Project 0.00080; ESP Exome Variant Server 0.00092.

Submission:

PreventionGenetics, part of Exact Sciences
Classification: Likely benign for HPDL-related condition. Last evaluated: 2022-08-01. Review status: no assertion criteria provided. Collection method: clinical testing. Allele origin: germline.
Comment: This variant is classified as likely benign based on ACMG/AMP sequence variant interpretation guidelines (Richards et al. 2015 PMID: 25741868, with internal and published modifications).

NM_032756.4(HPDL):c.960G>C (p.Lys320Asn)

Gene: HPDL (4-hydroxyphenylpyruvate dioxygenase like; plus strand). Cytogenetic location: 1p34.1.
Variant type: single nucleotide variant.
Coding change: c.960G>C on transcript NM_032756.4 (MANE Select); coding-DNA position 960, G replaced by C.
Protein change: p.Lys320Asn; replaces lysine 320 with asparagine.
Molecular consequence: missense variant.
Genome position (GRCh38, 1-based): chr1:45,328,108, G>C. VCF-style: chr1-45328108-G-C. GRCh37 (hg19) VCF-style: chr1-45793780-G-C.
Other names: short protein forms K320N.
Identifiers: ClinVar variation 3034879 (VCV003034879.2), dbSNP rs115711960, ClinGen allele CA826372.
Genomic context (GRCh38, chr1:45,328,108, plus strand): 5'-AGGGCACGAGCCTCATCTGCTTGCTCGACAGGGGATCCTGCTAGATGGTGATAAAGGCAA[G>C]TTTCTGCTTCAGGTCTTCACCAAGTCCCTTTTTACTGAGGACACTTTCTTCCTGGAGCTG-3'
Protein context (NP_116145.1, residues 310-330): QGILLDGDKG[Lys320Asn]FLLQVFTKSL